The following is an entry in ClinVar:

ClinVar aggregate classification (germline): Pathogenic/Likely pathogenic. Review status: criteria provided, multiple submitters, no conflicts (2 of 4 stars). 4 submissions from 4 submitters: Pathogenic (3); Likely pathogenic (1). Last evaluated 2025-06-25.

Conditions:
Hereditary cancer-predisposing syndrome. Also called: Tumor predisposition; Hereditary neoplastic syndrome; Neoplastic Syndromes, Hereditary; Hereditary Cancer Syndrome. Identifiers: Orphanet 140162, MedGen C0027672, MeSH D009386, MONDO:0015356.
Familial cancer of breast. Also called: BREAST CANCER, FAMILIAL; hereditary breast carcinoma; Hereditary breast cancer. Identifiers: Orphanet 227535, MedGen C0346153, MONDO:0016419, OMIM 114480. Disease mechanism: loss of function.
Ataxia-telangiectasia syndrome (AT). Also called: Ataxia-telangiectasia, complementation group D; Cerebello-oculocutaneous telangiectasia; Immunodeficiency with ataxia telangiectasia; LOUIS-BAR SYNDROME; Ataxia-telangiectasia; AT, COMPLEMENTATION GROUP C. Identifiers: Orphanet 100, MedGen C0004135, MONDO:0008840, OMIM 208900.

Submissions (4):

Ambry Genetics
Classification: Pathogenic for Hereditary cancer-predisposing syndrome. Last evaluated: 2025-06-25. Review status: criteria provided, single submitter. Criteria: Ambry Variant Classification Scheme 2023. Collection method: clinical testing. Allele origin: germline.
Comment: The c.1190_1191delAA pathogenic mutation, located in coding exon 8 of the ATM gene, results from a deletion of two nucleotides at nucleotide positions 1190 to 1191, causing a translational frameshift with a predicted alternate stop codon (p.K397Rfs*9). This variant is considered to be rare based on population cohorts in the Genome Aggregation Database (gnomAD). This alteration is expected to result in loss of function by premature protein truncation or nonsense-mediated mRNA decay. As such, this alteration is interpreted as a disease-causing mutation.

Center for Genomic Medicine, Rigshospitalet, Copenhagen University Hospital
Classification: Likely pathogenic. Last evaluated: 2025-03-04. Review status: criteria provided, single submitter. Criteria: ACMG Guidelines, 2015. Collection method: clinical testing. Allele origin: germline.

Labcorp Genetics (formerly Invitae), Labcorp
Classification: Pathogenic for Ataxia-telangiectasia syndrome. Last evaluated: 2025-01-28. Review status: criteria provided, single submitter. Criteria: Invitae Variant Classification Sherloc (09022015). Collection method: clinical testing. Allele origin: germline.
Comment: This sequence change creates a premature translational stop signal (p.Lys397Argfs*9) in the ATM gene. It is expected to result in an absent or disrupted protein product. Loss-of-function variants in ATM are known to be pathogenic (PMID: 23807571, 25614872). This variant is not present in population databases (gnomAD no frequency). This variant has not been reported in the literature in individuals affected with ATM-related conditions. ClinVar contains an entry for this variant (Variation ID: 933642). For these reasons, this variant has been classified as Pathogenic.

Myriad Genetics, Inc.
Classification: Pathogenic for Familial cancer of breast. Last evaluated: 2024-01-12. Review status: criteria provided, single submitter. Criteria: Myriad Autosomal Dominant, Autosomal Recessive and X-Linked Classification Criteria (2023). Collection method: clinical testing. Allele origin: unknown.
Comment: This variant is considered pathogenic. This variant creates a frameshift predicted to result in premature protein truncation.

Literature cited by the submitters: PubMed 23807571 (cited by Labcorp Genetics (formerly Invitae), Labcorp); PubMed 25614872 (cited by Labcorp Genetics (formerly Invitae), Labcorp).

NM_000051.4(ATM):c.1190_1191del (p.Lys397fs)

Gene: ATM (ATM serine/threonine kinase; plus strand). Cytogenetic location: 11q22.3.
Variant type: Deletion.
Coding change: c.1190_1191del on transcript NM_000051.4 (MANE Select); coding-DNA positions 1190 to 1191, 2 bases deleted (AA; older notation c.1190_1191delAA).
Protein change: p.Lys397fs; shifts the reading frame from lysine 397.
Molecular consequence: frameshift variant.
Genome position (GRCh38, 1-based): chr11:108,249,057-108,249,058, AA deleted; deleting any 2 consecutive bases within chr11:108,249,055-108,249,058 gives the same sequence; the c. name uses the placement nearest the transcript's 3' end. VCF-style (leftmost placement, unchanged base first): chr11-108249054-TAA-T. GRCh37 (hg19) VCF-style: chr11-108119781-TAA-T.
Other names: c.1190_1191del, p.Lys397fs (NM_001351834.2); c.1190_1191delAA (NM_000051.4, NM_000051.3); short protein forms K397fs.
Identifiers: ClinVar variation 933642 (VCV000933642.11), dbSNP rs2079998938, ClinGen allele CA1139662277.